The following is an entry in ClinVar:

ClinVar aggregate classification (germline): Pathogenic; drug response. Review status: reviewed by expert panel (3 of 4 stars). 9 submissions from 3 submitters: Pathogenic (1). 1 of the submissions does not count toward it. Last evaluated 2023-05-22.

Conditions:
Malignant hyperthermia, susceptibility to, 1 (MHS1). Also called: RYR1-Related Malignant Hyperthermia Susceptibility; Malignant hyperthermia suceptibility 1; Anesthesia related hyperthermia; Malignant hyperpyrexia; Fulminating hyperpyrexia; Pharmacogenic myopathy. Identifiers: Orphanet 423, MedGen C2930980, MONDO:0007783, OMIM 145600.
succinylcholine response - Toxicity.
sevoflurane response - Toxicity.
methoxyflurane response - Toxicity.
isoflurane response - Toxicity.
halothane response - Toxicity.
enflurane response - Toxicity.
desflurane response - Toxicity.

Submissions (9):

ClinGen Malignant Hyperthermia Susceptibility Variant Curation Expert Panel, ClinGen
Classification: Pathogenic for Malignant hyperthermia, susceptibility to, 1. Last evaluated: 2023-05-22. Review status: reviewed by expert panel. Criteria: ClinGen MHS ACMG Specifications V2. Collection method: curation. Allele origin: germline. Inheritance: Autosomal dominant inheritance. Study: ClinGen.
Comment: This pathogenicity assessment is relevant only for malignant hyperthermia susceptibility (MHS) inherited in an autosomal dominant pattern. Variants in RYR1 can also cause other myopathies inherited in an autosomal dominant pattern or in an autosomal recessive pattern. Some of these disorders may predispose individuals to malignant hyperthermia. RYR1 variants may also contribute to a malignant hyperthermia reaction in combination with other genetic and non-genetic factors and the clinician needs to consider such factors in making management decisions. This sequence variant predicts a substitution of arginine with leucine at codon 163 of the RYR1 protein p.(Arg163Leu). This variant is absent from a large population databases (gnomAD). This variant has been reported in three unrelated individuals who have a personal or family history of a malignant hyperthermia reaction, two of these individuals had a positive in vitro contracture test (IVCT) or caffeine halothane contracture test (CHCT) result (when the proband was unavailable for testing a positive diagnostic test result in a mutation positive relative was counted), PS4_Moderate (PMID:30236257, PMID:16163667). This variant segregates with MHS in five individuals, PP1_Moderate (PMID:35718563). Functional studies in HEK293 cells show an increased sensitivity to RYR1 agonists, PS3_Moderate (PMID:16163667, PMID:26115329). This variant resides in a region of RYR1 considered to be a hotspot for pathogenic variants that contribute to MHS, PM1 (PMID:21118704). Another variant assessed as pathogenic occurs at this codon, p.(Arg163Cys), however PM5 was not applied as Arg to Cys is predicted to be more disruptive based on a higher Grantham score as compared to Arg to Leu. A REVEL score > 0.85 supports pathogenicity, PP3_Moderate. Based on using Bayes to combine criteria this variant is assessed as Pathogenic, (PMID:29300386). Criteria implemented: PS4_Moderate, PS3_Moderate, PM1, PP1_Moderate, PP3_Moderate.

ClinPGx
Classification: drug response for enflurane response - Toxicity. Last evaluated: 2021-03-24. Review status: reviewed by expert panel. Criteria: Pharmacogenomics knowledge for personalized medicine. Collection method: curation. Allele origin: germline. Affected: yes.
Comment: PharmGKB Level of Evidence 1A: Level 1A clinical annotations describe variant-drug combinations that have variant-specific prescribing guidance available in a current clinical guideline annotation or an FDA-approved drug label annotation. Annotations of drug labels or clinical guidelines must give prescribing guidance for specific variants (e.g. CYP2C9*3, HLA-B*57:01) or provide mapping from defined allele functions to diplotypes and phenotypes to be used as supporting evidence for a level 1A clinical annotation. Level 1A clinical annotations must also be supported by at least one publication in addition to a clinical guideline or drug label with variant-specific prescribing guidance.

Drug is not necessarily used to treat response condition

ClinPGx
Classification: drug response for halothane response - Toxicity. Last evaluated: 2021-03-24. Review status: reviewed by expert panel. Criteria: Pharmacogenomics knowledge for personalized medicine. Collection method: curation. Allele origin: germline. Affected: yes.
Comment: the same text as in the submission from ClinPGx above.

ClinPGx
Classification: drug response for isoflurane response - Toxicity. Last evaluated: 2021-03-24. Review status: reviewed by expert panel. Criteria: Pharmacogenomics knowledge for personalized medicine. Collection method: curation. Allele origin: germline. Affected: yes.
Comment: the same text as in the submission from ClinPGx above.

ClinPGx
Classification: drug response for methoxyflurane response - Toxicity. Last evaluated: 2021-03-24. Review status: reviewed by expert panel. Criteria: Pharmacogenomics knowledge for personalized medicine. Collection method: curation. Allele origin: germline. Affected: yes.
Comment: the same text as in the submission from ClinPGx above.

ClinPGx
Classification: drug response for sevoflurane response - Toxicity. Last evaluated: 2021-03-24. Review status: reviewed by expert panel. Criteria: Pharmacogenomics knowledge for personalized medicine. Collection method: curation. Allele origin: germline. Affected: yes.
Comment: the same text as in the submission from ClinPGx above.

ClinPGx
Classification: drug response for succinylcholine response - Toxicity. Last evaluated: 2021-03-24. Review status: reviewed by expert panel. Criteria: Pharmacogenomics knowledge for personalized medicine. Collection method: curation. Allele origin: germline. Affected: yes.
Comment: the same text as in the submission from ClinPGx above.

ClinPGx
Classification: drug response for desflurane response - Toxicity. Last evaluated: 2021-03-24. Review status: reviewed by expert panel. Criteria: Pharmacogenomics knowledge for personalized medicine. Collection method: curation. Allele origin: germline. Affected: yes.
Comment: the same text as in the submission from ClinPGx above.

RYR1 database
No classification provided. Review status: no classification provided. Collection method: not provided. Allele origin: unknown. Not counted in ClinVar's aggregate classification.

Literature cited by the submitters: PubMed 16163667 (cited by ClinPGx); PubMed 16917943 (cited by ClinPGx); PubMed 25658027 (cited by ClinPGx).

NM_000540.3(RYR1):c.488G>T (p.Arg163Leu)

Gene: RYR1 (ryanodine receptor 1; plus strand). Cytogenetic location: 19q13.2.
Variant type: single nucleotide variant.
Coding change: c.488G>T on transcript NM_000540.3 (MANE Select); coding-DNA position 488, G replaced by T.
Protein change: p.Arg163Leu; replaces arginine 163 with leucine.
Molecular consequence: missense variant.
Genome position (GRCh38, 1-based): chr19:38,444,212, G>T. VCF-style: chr19-38444212-G-T. GRCh37 (hg19) VCF-style: chr19-38934852-G-T.
Other names: NM_000540.2(RYR1):c.488G>T; c.488G>T, p.Arg163Leu (NM_001042723.2); short protein forms R163L.
Identifiers: ClinVar variation 133137 (VCV000133137.6), dbSNP rs193922753, ClinGen allele CA024467.